The following is an entry in ClinVar:

ClinVar aggregate classification (germline): Conflicting classifications of pathogenicity. Review status: criteria provided, conflicting classifications (1 of 4 stars). 4 submissions from 4 submitters: Uncertain significance (1); Benign (1); Likely benign (2). Last evaluated 2025-12-10.

Conditions:
Pyruvate carboxylase deficiency. Also called: ATAXIA WITH LACTIC ACIDOSIS II; LEIGH NECROTIZING ENCEPHALOPATHY DUE TO PYRUVATE CARBOXYLASE DEFICIENCY; LEIGH SYNDROME DUE TO PYRUVATE CARBOXYLASE DEFICIENCY; PC DEFICIENCY; Pyruvate Carboxylase Deficiency Disease. Identifiers: Orphanet 3008, MedGen C0034341, MONDO:0009949, OMIM 266150.

Allele frequency attached by ClinVar (database versions not stated): TOPMed 0.00003; gnomAD 0.00004 and 0.00017; ESP Exome Variant Server 0.00008; ExAC 0.00021; gnomAD exomes 0.00021 and 0.00035; 1000 Genomes Project 30x 0.00062; 1000 Genomes Project 0.00080.
gnomAD v4.1: 521 of 1,613,444 alleles (0.032%); highest among the groups gnomAD compares: East Asian, 1.1%; 4 homozygotes.

Submissions (4):

Labcorp Genetics (formerly Invitae), Labcorp
Classification: Benign for Pyruvate carboxylase deficiency. Last evaluated: 2025-12-10. Review status: criteria provided, single submitter. Criteria: Invitae Variant Classification Sherloc (09022015). Collection method: clinical testing. Allele origin: germline.

Mayo Clinic Laboratories, Mayo Clinic
Classification: Likely benign. Last evaluated: 2025-09-25. Review status: criteria provided, single submitter. Criteria: ACMG Guidelines, 2015. Collection method: clinical testing. Allele origin: germline. Observed: 1 variant allele.
Comment: BS1, BP4, BP7

GeneDx
Classification: Likely benign. Last evaluated: 2020-09-30. Review status: criteria provided, single submitter. Criteria: GeneDx Variant Classification Process June 2021. Collection method: clinical testing. Allele origin: germline. Affected: yes.

Illumina Laboratory Services, Illumina
Classification: Uncertain significance for Pyruvate carboxylase deficiency. Last evaluated: 2018-01-12. Review status: criteria provided, single submitter. Criteria: ICSL Variant Classification Criteria 13 December 2019. Collection method: clinical testing. Allele origin: germline.

NM_001040716.2(PC):c.879C>T (p.Ser293=)

Gene: PC (pyruvate carboxylase; minus strand). Cytogenetic location: 11q13.2.
Variant type: single nucleotide variant.
Coding change: c.879C>T on transcript NM_001040716.2 (MANE Select); coding-DNA position 879, C replaced by T.
Protein change: p.Ser293=; no amino-acid change (serine 293 retained).
Molecular consequence: synonymous variant.
Genome position (GRCh38, 1-based): chr11:66,870,326, G>A on the plus strand (C>T on the coding strand, the complement: PC is on the minus strand). VCF-style: chr11-66870326-G-A. GRCh37 (hg19) VCF-style: chr11-66637797-G-A.
Other names: p.Ser293=; c.879C>T, p.Ser293= (NM_000920.4, NM_022172.3).
Identifiers: ClinVar variation 305631 (VCV000305631.18), dbSNP rs183131461, ClinGen allele CA6132083.
Genomic context (GRCh38, chr11:66,870,326, plus strand): 5'-AGGCTCCTGTCCCAACACGGGAAGCCCACCCTTCACCTGTTTAGCGAGTTTCACAGAGTC[G>A]CTGGTGAGCCGAGTCCGAAGCTGCGGGTCCAGGTGGGCGGCGGGGGCAATCTCGACCACC-3'
Protein context (NP_001035806.1, residues 283-303): LDPQLRTRLT[Ser293=]DSVKLAKQVG